The following is an entry in ClinVar:

NM_170784.3(MKKS):c.1059A>G (p.Ala353=)

Gene: MKKS (MKKS centrosomal shuttling protein; minus strand). Cytogenetic location: 20p12.2.
Variant type: single nucleotide variant.
Coding change: c.1059A>G on transcript NM_170784.3 (MANE Select); coding-DNA position 1059, A replaced by G.
Protein change: p.Ala353=; no amino-acid change (alanine 353 retained).
Molecular consequence: synonymous variant. On other transcripts: non-coding transcript variant (1).
Genome position (GRCh38, 1-based): chr20:10,408,730, T>C on the plus strand (A>G on the coding strand, the complement: MKKS is on the minus strand). VCF-style: chr20-10408730-T-C. GRCh37 (hg19) VCF-style: chr20-10389378-T-C.
Other names: c.1059A>G, p.Ala353= (NM_018848.3).
Identifiers: ClinVar variation 1097996 (VCV001097996.11), dbSNP rs768799434, ClinGen allele CA9763568.
Genomic context (GRCh38, chr20:10,408,730, plus strand): 5'-CAAGCTGCAGATTGTTGCTTCATTAGGAATAAGATGAAAAAAATGTTTGGAGCCAAATTT[T>C]GCAGTGCACACATCTTTCACACTTCCATAACTATTAGGACATATTGAGCCTAGGGATCCA-3'
Protein context (NP_740754.1, residues 343-363): SYGSVKDVCT[Ala353=]KFGSKHFFHL

ClinVar aggregate classification (germline): Likely benign. Review status: criteria provided, single submitter (1 of 4 stars). 2 submissions from 2 submitters: Likely benign (1). 1 of the submissions does not count toward it. Last evaluated 2025-12-14.

Conditions:
MKKS-related disorder. Also called: MKKS-related disorders; MKKS-related condition.
Bardet-Biedl syndrome (BBS). Identifiers: Orphanet 110, MedGen C0752166, MONDO:0015229.
McKusick-Kaufman syndrome (MKKS). Also called: HYDROMETROCOLPOS SYNDROME; HYDROMETROCOLPOS, POSTAXIAL POLYDACTYLY, AND CONGENITAL HEART MALFORMATION. Identifiers: Orphanet 2473, MedGen C0948368, MONDO:0009367, OMIM 236700.

Allele frequency attached by ClinVar (database versions not stated): ExAC 0.00001; gnomAD exomes 0.00001.
gnomAD v4.1: 5 of 1,613,968 alleles (0.00031%); highest among the groups gnomAD compares: Admixed American, 0.0083%; no homozygotes.

Submissions (2):

Labcorp Genetics (formerly Invitae), Labcorp
Classification: Likely benign for McKusick-Kaufman syndrome; Bardet-Biedl syndrome. Last evaluated: 2025-12-14. Review status: criteria provided, single submitter. Criteria: Invitae Variant Classification Sherloc (09022015). Collection method: clinical testing. Allele origin: germline.

PreventionGenetics, part of Exact Sciences
Classification: Likely benign for MKKS-related condition. Last evaluated: 2023-01-04. Review status: no assertion criteria provided. Collection method: clinical testing. Allele origin: germline. Not counted in ClinVar's aggregate classification.
Comment: This variant is classified as likely benign based on ACMG/AMP sequence variant interpretation guidelines (Richards et al. 2015 PMID: 25741868, with internal and published modifications).